The following is an entry in ClinVar:

ClinVar aggregate classification (germline): Uncertain significance. Review status: criteria provided, multiple submitters, no conflicts (2 of 4 stars). 5 submissions from 5 submitters: Uncertain significance (5). Last evaluated 2026-02-10.

Conditions:
PCSK9-related disorder. Also called: PCSK9-related disorders; PCSK9-related condition.
Hypercholesterolemia, autosomal dominant, 3 (FHCL3). Also called: Familial Hypercholesterolemia, Autosomal Dominant, 3; PCSK9-Related Familial Hypercholesterolemia, Autosomal Dominant; Familial hypercholesterolemia 3. Identifiers: MedGen C1863551, MONDO:0011369, OMIM 603776.
Familial hypercholesterolemia. Also called: Familial hypercholesterolemias; Familial hypercholesterolaemia. Identifiers: MedGen C0020445, MONDO:0005439.

Allele frequency attached by ClinVar (database versions not stated): gnomAD exomes below 0.00001; ExAC 0.00001; gnomAD 0.00001; TOPMed 0.00006.

Submissions (5):

PreventionGenetics, part of Exact Sciences
Classification: Uncertain significance for PCSK9-related condition. Last evaluated: 2026-02-10. Review status: criteria provided, single submitter. Criteria: ACMG Guidelines, 2015. Collection method: clinical testing. Allele origin: germline.
Comment: The PCSK9 c.2023delG variant is predicted to result in a frameshift and premature protein termination (p.Val675Leufs*130). This variant causes a frameshift in the last exon of PCSK9 and leads to a protein extension of 130 amino acids before leading to a stop codon. To our knowledge, this variant has not been reported in the literature. This variant is reported in 0.00089% of alleles in individuals of European (Non-Finnish) descent in gnomAD. Although we suspect that this variant may be pathogenic, at this time, the clinical significance of this variant is uncertain due to the absence of conclusive functional and genetic evidence.

Dasa
Classification: Uncertain significance. Last evaluated: 2025-10-31. Review status: criteria provided, single submitter. Criteria: DASA Assertion Criteria. Collection method: clinical testing. Allele origin: germline.
Comment: NM_174936.4(PCSK9):c.2023del (p.Val675Leufs*130) is a frameshift variant in PCSK9 predicted to alter the reading frame and introduce a premature termination codon. This variant is rare in population databases. The currently available literature and clinical evidence are not sufficient to establish a definitive association between this variant and the reported condition. Therefore, this variant is classified as a variant of uncertain significance.

All of Us Research Program, National Institutes of Health
Classification: Uncertain significance for Hypercholesterolemia, autosomal dominant, 3. Last evaluated: 2024-09-11. Review status: criteria provided, single submitter. Criteria: ACMG Guidelines, 2015. Collection method: clinical testing. Allele origin: germline. Inheritance: Autosomal dominant inheritance. Observed: 8 variant alleles, 8 heterozygotes.
Comment: This variant deletes 1 nucleotide in exon 12 of the PCSK9 gene, causing a frameshift in the last exon and addition of 130 new amino acids before introducing a stop codon. This results in a protein product that is 111 amino acids longer than the normal protein product. To our knowledge, functional studies have not been reported for this variant. To our knowledge, this variant has not been reported in individuals affected with PCSK9-related disorders in the literature. This variant has been identified in 1/249542 chromosomes in the general population by the Genome Aggregation Database (gnomAD). The available evidence is insufficient to determine the role of this variant in disease conclusively. Therefore, this variant is classified as a Variant of Uncertain Significance.

This study involves interpretation of variants in research participants for the purpose of population health screening. Participant phenotype was not available at the time of variant classification. Additional details can be found in publication PMID: 35346344, PMCID: PMC8962531

Color Diagnostics, LLC DBA Color Health
Classification: Uncertain significance for Familial hypercholesterolemia. Last evaluated: 2024-02-14. Review status: criteria provided, single submitter. Criteria: ACMG Guidelines, 2015. Collection method: clinical testing. Allele origin: germline.
Comment: This variant deletes 1 nucleotide in exon 12 of the PCSK9 gene, causing a frameshift in the last exon and addition of 130 new amino acids before introducing a stop codon. This results in a protein product that is 111 amino acids longer than the normal protein product. To our knowledge, functional studies have not been reported for this variant. To our knowledge, this variant has not been reported in individuals affected with PCSK9-related disorders in the literature. This variant has been identified in 1/249542 chromosomes in the general population by the Genome Aggregation Database (gnomAD). The available evidence is insufficient to determine the role of this variant in disease conclusively. Therefore, this variant is classified as a Variant of Uncertain Significance.

Fulgent Genetics
Classification: Uncertain significance for Hypercholesterolemia, autosomal dominant, 3. Last evaluated: 2021-07-01. Review status: criteria provided, single submitter. Criteria: ACMG Guidelines, 2015. Collection method: clinical testing. Allele origin: unknown.

NM_174936.4(PCSK9):c.2023del (p.Val675fs)

Gene: PCSK9 (proprotein convertase subtilisin/kexin type 9; plus strand). Cytogenetic location: 1p32.3.
Variant type: Deletion.
Coding change: c.2023del on transcript NM_174936.4 (MANE Select); coding-DNA position 2023, one base deleted (G; older notation c.2023delG).
Protein change: p.Val675fs; shifts the reading frame from valine 675.
Molecular consequence: frameshift variant.
Genome position (GRCh38, 1-based): chr1:55,063,528, G deleted. VCF-style (leftmost placement, unchanged base first): chr1-55063527-CG-C. GRCh37 (hg19) VCF-style: chr1-55529200-CG-C.
Other names: c.2146delG, p.Val716Leufs (NM_001407240.1); c.2065delG, p.Val689Leufs (NM_001407241.1); c.2026delG, p.Val676Leufs (NM_001407242.1); c.1966delG, p.Val656Leufs (NM_001407243.1); c.1849delG, p.Val617Leufs (NM_001407244.1); c.1831delG, p.Val611Leufs (NM_001407245.1); c.1648delG, p.Val550Leufs (NM_001407246.1); c.1522delG, p.Val508Leufs (NM_001407247.1); and 1 more; short protein forms V675fs.
Identifiers: ClinVar variation 927115 (VCV000927115.11), dbSNP rs772102827, ClinGen allele CA871500.